The following is an entry in ClinVar:

ClinVar aggregate classification (germline): Uncertain significance (1 of 4 stars; one submission).

Conditions:
TTC21B-related disorder. Also called: TTC21B-related condition; TTC21B-related disorders.

Submission:

PreventionGenetics, part of Exact Sciences
Classification: Uncertain significance for TTC21B-related condition. Last evaluated: 2026-04-21. Review status: criteria provided, single submitter. Criteria: ACMG Guidelines, 2015. Collection method: clinical testing. Allele origin: germline.
Comment: The TTC21B c.1262A>G variant is predicted to result in the amino acid substitution p.Asp421Gly. To our knowledge, this variant has not been reported in the literature. This variant is reported in 0.012% of alleles in individuals of Latino descent in gnomAD. At this time, the clinical significance of this variant is uncertain due to the absence of conclusive functional and genetic evidence.

NM_024753.5(TTC21B):c.1262A>G (p.Asp421Gly)

Gene: TTC21B (tetratricopeptide repeat domain 21B; minus strand). Cytogenetic location: 2q24.3.
Variant type: single nucleotide variant.
Coding change: c.1262A>G on transcript NM_024753.5 (MANE Select); coding-DNA position 1262, A replaced by G.
Protein change: p.Asp421Gly; replaces aspartic acid 421 with glycine.
Molecular consequence: missense variant.
Genome position (GRCh38, 1-based): chr2:165,929,259, T>C on the plus strand (A>G on the coding strand, the complement: TTC21B is on the minus strand). VCF-style: chr2-165929259-T-C. GRCh37 (hg19) VCF-style: chr2-166785769-T-C.
Other names: short protein forms D421G.
Identifiers: ClinVar variation 4981843 (VCV004981843.1).